The following is an entry in ClinVar:

ClinVar aggregate classification (germline): Uncertain significance. Review status: criteria provided, multiple submitters, no conflicts (2 of 4 stars). 2 submissions from 2 submitters: Uncertain significance (2). Last evaluated 2025-02-16.

Conditions:
Hereditary cancer-predisposing syndrome. Also called: Hereditary neoplastic syndrome; Tumor predisposition; Neoplastic Syndromes, Hereditary; Hereditary Cancer Syndrome. Identifiers: Orphanet 140162, MedGen C0027672, MeSH D009386, MONDO:0015356.
Tuberous sclerosis 2 (TSC2). Identifiers: Orphanet 805, MedGen C1860707, MONDO:0013199, OMIM 613254.

Submissions (2):

Ambry Genetics
Classification: Uncertain significance for Hereditary cancer-predisposing syndrome. Last evaluated: 2025-02-16. Review status: criteria provided, single submitter. Criteria: Ambry Variant Classification Scheme 2023. Collection method: clinical testing. Allele origin: germline.
Comment: The p.E79V variant (also known as c.236A>T), located in coding exon 3 of the TSC2 gene, results from an A to T substitution at nucleotide position 236. The glutamic acid at codon 79 is replaced by valine, an amino acid with dissimilar properties. This amino acid position is conserved. In addition, this alteration is predicted to be deleterious by in silico analysis. Based on the available evidence, the clinical significance of this variant remains unclear.

Labcorp Genetics (formerly Invitae), Labcorp
Classification: Uncertain significance for Tuberous sclerosis 2. Last evaluated: 2019-11-06. Review status: criteria provided, single submitter. Criteria: Invitae Variant Classification Sherloc (09022015). Collection method: clinical testing. Allele origin: germline.
Comment: In summary, the available evidence is currently insufficient to determine the role of this variant in disease. Therefore, it has been classified as a Variant of Uncertain Significance. Algorithms developed to predict the effect of missense changes on protein structure and function are either unavailable or do not agree on the potential impact of this missense change (SIFT: "Deleterious"; PolyPhen-2: "Probably Damaging"; Align-GVGD: "Class C0"). This variant has not been reported in the literature in individuals with TSC2-related conditions. This variant is not present in population databases (ExAC no frequency). This sequence change replaces glutamic acid with valine at codon 79 of the TSC2 protein (p.Glu79Val). The glutamic acid residue is highly conserved and there is a moderate physicochemical difference between glutamic acid and valine.

NM_000548.5(TSC2):c.236A>T (p.Glu79Val)

Gene: TSC2 (TSC complex subunit 2; plus strand). Cytogenetic location: 16p13.3.
Variant type: single nucleotide variant.
Coding change: c.236A>T on transcript NM_000548.5 (MANE Select); coding-DNA position 236, A replaced by T.
Protein change: p.Glu79Val; replaces glutamic acid 79 with valine.
Molecular consequence: missense variant. On other transcripts: intron variant (2).
Genome position (GRCh38, 1-based): chr16:2,053,352, A>T. VCF-style: chr16-2053352-A-T. GRCh37 (hg19) VCF-style: chr16-2103353-A-T.
Other names: c.236A>T, p.Glu79Val (NM_001077183.3, NM_001114382.3, NM_001363528.2 and 3 more transcripts); c.89A>T, p.Glu30Val (NM_001318829.2); c.269A>T, p.Glu90Val (NM_001318832.2); c.226-944A>T (NM_001318827.2); c.-1-2844A>T (NM_001318831.2); short protein forms E30V, E90V, E79V.
Identifiers: ClinVar variation 964182 (VCV000964182.10), dbSNP rs2085359439, ClinGen allele CA394305454.
Genomic context (GRCh38, chr16:2,053,352, plus strand): 5'-AGGGTTCTTGGAGAGCACATCCTCACCGCTGTCCCCTCTGCTGGTGACAGCACGCAGTGG[A>T]AGCACTCTGGAAGGCGGTCGCGGATCTGTTGCAGCCGGAGCGGCCGCTGGAGGCCCGGCA-3'
Protein context (NP_000539.2, residues 69-89): KTKKFEEHAV[Glu79Val]ALWKAVADLL